The following is an entry in ClinVar:

ClinVar aggregate classification (germline): Benign/Likely benign. Review status: criteria provided, multiple submitters, no conflicts (2 of 4 stars). 3 submissions from 3 submitters: Benign (1); Likely benign (2). Last evaluated 2026-05-21.

Conditions:
Hereditary cancer-predisposing syndrome. Also called: Hereditary neoplastic syndrome; Neoplastic Syndromes, Hereditary; Hereditary Cancer Syndrome; Tumor predisposition. Identifiers: Orphanet 140162, MedGen C0027672, MeSH D009386, MONDO:0015356.
Cardiovascular phenotype. Identifiers: MedGen CN230736.
Neurofibromatosis, type 1 (NF1). Also called: Peripheral type neurofibromatosis; Neurofibromatosis, type I; VON RECKLINGHAUSEN DISEASE; NEUROFIBROMATOSIS, TYPE I, SOMATIC. Identifiers: Orphanet 636, MedGen C0027831, MONDO:0018975, OMIM 162200. Disease mechanism: loss of function.

Allele frequency attached by ClinVar (database versions not stated): TOPMed 0.00003; gnomAD exomes below 0.00001; ExAC 0.00001.
gnomAD v4.1: 1 of 1,614,092 alleles (0.000062%); highest among the groups gnomAD compares: Admixed American, 0.0017%; no homozygotes.

Submissions (3):

Myriad Genetics, Inc.
Classification: Benign for Neurofibromatosis, type 1. Last evaluated: 2026-05-21. Review status: criteria provided, single submitter. Criteria: Myriad Autosomal Dominant, Autosomal Recessive and X-Linked Classification Criteria (2023). Collection method: clinical testing. Allele origin: unknown.
Comment: This variant is considered benign. This variant is a silent/synonymous amino acid change and it is not expected to impact splicing.

Labcorp Genetics (formerly Invitae), Labcorp
Classification: Likely benign for Neurofibromatosis, type 1. Last evaluated: 2025-09-26. Review status: criteria provided, single submitter. Criteria: Invitae Variant Classification Sherloc (09022015). Collection method: clinical testing. Allele origin: germline.

Ambry Genetics
Classification: Likely benign for Cardiovascular phenotype; Hereditary cancer-predisposing syndrome. Last evaluated: 2016-05-11. Review status: criteria provided, single submitter. Criteria: Ambry Variant Classification Scheme 2023. Collection method: clinical testing. Allele origin: germline.

NM_001042492.3(NF1):c.6966G>A (p.Val2322=)

Gene: NF1 (neurofibromin 1; plus strand). Cytogenetic location: 17q11.2.
Variant type: single nucleotide variant.
Coding change: c.6966G>A on transcript NM_001042492.3 (MANE Select); coding-DNA position 6966, G replaced by A.
Protein change: p.Val2322=; no amino-acid change (valine 2322 retained).
Molecular consequence: synonymous variant.
Genome position (GRCh38, 1-based): chr17:31,340,549, G>A. VCF-style: chr17-31340549-G-A. GRCh37 (hg19) VCF-style: chr17-29667567-G-A.
Other names: c.6903G>A, p.Val2301= (NM_000267.4).
Identifiers: ClinVar variation 480125 (VCV000480125.49), dbSNP rs753793900, ClinGen allele CA8487470.